The following is an entry in ClinVar:

NM_000169.3(GLA):c.958A>C (p.Asn320His)

Genes: GLA (galactosidase alpha; minus strand), RPL36A-HNRNPH2 (RPL36A-HNRNPH2 readthrough; plus strand). Cytogenetic location: Xq22.1.
Variant type: single nucleotide variant.
Coding change: c.958A>C on transcript NM_000169.3 (MANE Select); coding-DNA position 958, A replaced by C.
Protein change: p.Asn320His; replaces asparagine 320 with histidine.
Molecular consequence: missense variant. On other transcripts: non-coding transcript variant (3), intron variant (2).
Genome position (GRCh38, 1-based): chrX:101,398,411, T>G on the plus strand (A>C on the coding strand, the complement: GLA is on the minus strand). VCF-style: chrX-101398411-T-G. GRCh37 (hg19) VCF-style: chrX-100653399-T-G.
Other names: c.1081A>C, p.Asn361His (NM_001406747.1); c.958A>C, p.Asn320His (NM_001406748.1); c.300+2954T>G (NM_001199973.2); c.177+6589T>G (NM_001199974.2); short protein forms N320H, N361H.
Identifiers: ClinVar variation 495698 (VCV000495698.5), dbSNP rs1555984950, ClinGen allele CA413921585.
Genomic context (GRCh38, chrX:101,398,411, plus strand): 5'-AATATATACTCTTATTTACCTGTCTAAGCTGGTACCCTTGCTTGCCCAAGGGGTCCTGAT[T>G]GATGGCAATTACGTCCTTATCCTGAAGGAGAGCTTTGGCTTGAGGGCTGATGTGTCGGAG-3'
Protein context (NP_000160.1, residues 310-330): LLQDKDVIAI[Asn320His]QDPLGKQGYQ

ClinVar aggregate classification (germline): Conflicting classifications of pathogenicity. Review status: criteria provided, conflicting classifications (1 of 4 stars). 5 submissions from 5 submitters: Likely pathogenic (1); Uncertain significance (4). Last evaluated 2026-09-08.

Conditions:
Fabry disease. Also called: Fabry's disease; Angiokeratoma corporis diffusum; GLA DEFICIENCY; HEREDITARY DYSTOPIC LIPIDOSIS; ALPHA-GALACTOSIDASE A DEFICIENCY; ANDERSON-FABRY DISEASE. Identifiers: Orphanet 324, MedGen C0002986, MONDO:0010526, OMIM 301500, HP:0001071. Disease mechanism: Fabry disease is due to inactivating mutations in the X-linked GLA gene resulting in deficiency of the enzyme Alpha Galactosidase-A., loss of function.

Submissions (5):

Genomenon, Inc
Classification: Uncertain significance for Fabry disease. Last evaluated: 2026-09-08. Review status: criteria provided, single submitter. Criteria: Genomenon Sequence Variant Interpretation Standards - Updated. Collection method: curation. Allele origin: germline. Affected: yes.
Comment: GLA p.Asn320His (c.958A>C) is a missense variant that changes the amino acid at codon 320 from Asparagine to Histidine. This variant has been observed in at least one proband with clinical features consistent with Fabry disease (PMID:29853467). It is absent or not present at a significant frequency in gnomAD. In silico models predict that this variant is possibly or probably damaging. In conclusion, we classify GLA p.Asn320His (c.958A>C) as a variant of uncertain significance.

Kidney and Pancreas Transplant Center, University of Texas at Austin
Classification: Likely pathogenic for Fabry disease. Last evaluated: 2025-07-03. Review status: criteria provided, single submitter. Criteria: ACMG Guidelines, 2015. Collection method: provider interpretation. Allele origin: inherited. Inheritance: X-linked inheritance. Affected: yes. Observed: 1 heterozygote.
Comment: Multiple reported cases noted in Clinvar for individuals with this variant but there has never been any functional/biochemical confirmation and hence the variant can only be classified as a VUS. In summary, the GLA c.958 A>C variant meets criteria to be classified as likely pathogenic with the corresponding ACMG criteria : PM1 – moderate PM5 – supporting PM2 – supporting PP3 – supporting PS3 – strong as evidenced by the biochemical data

Labcorp Genetics (formerly Invitae), Labcorp
Classification: Uncertain significance for Fabry disease. Last evaluated: 2024-04-16. Review status: criteria provided, single submitter. Criteria: Invitae Variant Classification Sherloc (09022015). Collection method: clinical testing. Allele origin: germline.
Comment: This sequence change replaces asparagine, which is neutral and polar, with histidine, which is basic and polar, at codon 320 of the GLA protein (p.Asn320His). This variant is not present in population databases (gnomAD no frequency). This missense change has been observed in individual(s) with Fabry disease (external communication). ClinVar contains an entry for this variant (Variation ID: 495698). Advanced modeling of protein sequence and biophysical properties (such as structural, functional, and spatial information, amino acid conservation, physicochemical variation, residue mobility, and thermodynamic stability) performed at Invitae indicates that this missense variant is not expected to disrupt GLA protein function with a negative predictive value of 80%. This variant disrupts the p.Asn320 amino acid residue in GLA. Other variant(s) that disrupt this residue have been observed in individuals with GLA-related conditions (PMID: 7575533, 10916280, 23935525), which suggests that this may be a clinically significant amino acid residue. In summary, the available evidence is currently insufficient to determine the role of this variant in disease. Therefore, it has been classified as a Variant of Uncertain Significance.

AiLife Diagnostics
Classification: Uncertain significance. Last evaluated: 2021-09-07. Review status: criteria provided, single submitter. Criteria: ACMG Guidelines, 2015. Collection method: clinical testing. Allele origin: germline. Affected: yes. Observed: 1 variant allele.

Women's Health and Genetics/Laboratory Corporation of America, LabCorp
Classification: Uncertain significance. Last evaluated: 2016-10-05. Review status: criteria provided, single submitter. Criteria: LabCorp Variant Classification Summary - May 2015. Collection method: clinical testing. Allele origin: germline.
Comment: Variant summary: The c.958A>C (p.Asn320His) in GLA gene is a missense change that involves a highly conserved nucleotide and 4/5 in silico tools predict a deleterious outcome. The variant is absent from the large control population dataset of ExAC. The variant has not, to our knowledge, been reported in affected individuals via publications or cited by a reputable database/clinical laboratory. The N320 codon appears to be a mutational hot spot, as other alterations of this codon or neighboring codons have been reported in multiple patients who presented with classical FD and undetectable enzymatic activity; most of these patients were not responsive to pharmacological chaperone therapy. Although the variant has shown some evidence for pathogenicity (absence in controls, located in mutational hot spot, computed in silico tools support a deleterious outcome) the variant was classified as VUS until more data undoubtfully demonstrating pathogenicity becomes available.

Literature cited by the submitters: PubMed 29853467 (cited by Genomenon, Inc); PubMed 7575533 (cited by Labcorp Genetics (formerly Invitae), Labcorp); PubMed 10916280 (cited by Labcorp Genetics (formerly Invitae), Labcorp); PubMed 23935525 (cited by Labcorp Genetics (formerly Invitae), Labcorp).